The following is an entry in ClinVar:

ClinVar aggregate classification (germline): Likely benign (1 of 4 stars; one submission).

Allele frequency attached by ClinVar (database versions not stated): TOPMed 0.00002; gnomAD 0.00005; ExAC 0.00007; 1000 Genomes Project 30x 0.00016; 1000 Genomes Project 0.00020.
gnomAD v4.1: 28 of 456,972 alleles (0.0061%); highest among the groups gnomAD compares: East Asian, 0.034%; no homozygotes.

Submission:

CeGaT Center for Human Genetics Tuebingen
Classification: Likely benign. Last evaluated: 2026-06-01. Review status: criteria provided, single submitter. Criteria: CeGaT Center For Human Genetics Tuebingen Variant Classification Criteria Version 2. Collection method: clinical testing. Allele origin: germline. Affected: yes. Observed: 2 variant alleles.
Comment: ZMIZ1: BP4, BP7

NM_020338.4(ZMIZ1):c.*1401G>A

Gene: ZMIZ1 (zinc finger MIZ-type containing 1; plus strand). Cytogenetic location: 10q22.3.
Variant type: single nucleotide variant.
Coding change: c.*1401G>A on transcript NM_020338.4 (MANE Select); 1401 bases downstream of the stop codon, G replaced by A.
Molecular consequence: 3 prime UTR variant.
Genome position (GRCh38, 1-based): chr10:79,314,150, G>A. VCF-style: chr10-79314150-G-A. GRCh37 (hg19) VCF-style: chr10-81073907-G-A.
Identifiers: ClinVar variation 1694565 (VCV001694565.31), dbSNP rs184960762, ClinGen allele CA5573264.